The following is an entry in ClinVar:

ClinVar aggregate classification (germline): Uncertain significance (1 of 4 stars; one submission).

Conditions:
ZBTB18-related disorder. Also called: ZBTB18-related condition.

Allele frequency attached by ClinVar (database versions not stated): gnomAD 0.00001.
gnomAD v4.1: 3 of 1,614,092 alleles (0.00019%); highest among the groups gnomAD compares: Non-Finnish European, 0.00025%; no homozygotes.

Submission:

PreventionGenetics, part of Exact Sciences
Classification: Uncertain significance for ZBTB18-related condition. Last evaluated: 2023-09-21. Review status: criteria provided, single submitter. Criteria: ACMG Guidelines, 2015. Collection method: clinical testing. Allele origin: germline.
Comment: The ZBTB18 c.734T>C variant is predicted to result in the amino acid substitution p.Val245Ala. To our knowledge, this variant has not been reported in the literature or in a large population database, indicating this variant is rare. At this time, the clinical significance of this variant is uncertain due to the absence of conclusive functional and genetic evidence.

NM_205768.3(ZBTB18):c.734T>C (p.Val245Ala)

Gene: ZBTB18 (zinc finger and BTB domain containing 18; plus strand). Cytogenetic location: 1q44.
Variant type: single nucleotide variant.
Coding change: c.734T>C on transcript NM_205768.3 (MANE Select); coding-DNA position 734, T replaced by C.
Protein change: p.Val245Ala; replaces valine 245 with alanine.
Molecular consequence: missense variant. On other transcripts: intron variant (1).
Genome position (GRCh38, 1-based): chr1:244,054,508, T>C. VCF-style: chr1-244054508-T-C. GRCh37 (hg19) VCF-style: chr1-244217810-T-C.
Other names: c.707T>C, p.Val236Ala (NM_001278196.2, NM_006352.5); c.701+33T>C (NM_001421566.1); short protein forms V236A, V245A.
Identifiers: ClinVar variation 2630943 (VCV002630943.1), dbSNP rs1698415328, ClinGen allele CA345673564.